The following is an entry in ClinVar:

NM_001387430.1(SH2B1):c.371G>C (p.Arg124Pro)

Gene: SH2B1 (SH2B adaptor protein 1; plus strand). Cytogenetic location: 16p11.2.
Variant type: single nucleotide variant.
Coding change: c.371G>C on transcript NM_001387430.1 (MANE Select); coding-DNA position 371, G replaced by C.
Protein change: p.Arg124Pro; replaces arginine 124 with proline.
Molecular consequence: missense variant. On other transcripts: intron variant (1).
Genome position (GRCh38, 1-based): chr16:28,866,465, G>C. VCF-style: chr16-28866465-G-C. GRCh37 (hg19) VCF-style: chr16-28877786-G-C.
Other names: c.371G>C, p.Arg124Pro (NM_001145795.2, NM_001145796.2, NM_001145797.2 and 4 more transcripts); c.-26-909G>C (NM_001308294.2); short protein forms R124P.
Identifiers: ClinVar variation 2124996 (VCV002124996.4), dbSNP rs200118693, ClinGen allele CA7985911.

ClinVar aggregate classification (germline): Uncertain significance (1 of 4 stars; one submission).

gnomAD v4.1: 7 of 1,613,902 alleles (0.00043%); highest among the groups gnomAD compares: Middle Eastern, 0.016%; no homozygotes.

Submission:

Labcorp Genetics (formerly Invitae), Labcorp
Classification: Uncertain significance. Last evaluated: 2022-06-15. Review status: criteria provided, single submitter. Criteria: Invitae Variant Classification Sherloc (09022015). Collection method: clinical testing. Allele origin: germline.
Comment: In summary, the available evidence is currently insufficient to determine the role of this variant in disease. Therefore, it has been classified as a Variant of Uncertain Significance. Algorithms developed to predict the effect of missense changes on protein structure and function (SIFT, PolyPhen-2, Align-GVGD) all suggest that this variant is likely to be tolerated. This sequence change replaces arginine, which is basic and polar, with proline, which is neutral and non-polar, at codon 124 of the SH2B1 protein (p.Arg124Pro). This variant has not been reported in the literature in individuals affected with SH2B1-related conditions. This variant is present in population databases (rs200118693, gnomAD 0.006%).